The following is an entry in ClinVar:

NM_001848.3(COL6A1):c.2197_2200del (p.Asp733fs)

Gene: COL6A1 (collagen type VI alpha 1 chain; plus strand). Cytogenetic location: 21q22.3.
Variant type: Deletion.
Coding change: c.2197_2200del on transcript NM_001848.3 (MANE Select); coding-DNA positions 2197 to 2200, 4 bases deleted (GACA; older notation c.2197_2200delGACA).
Protein change: p.Asp733fs; shifts the reading frame from aspartic acid 733.
Molecular consequence: frameshift variant.
Genome position (GRCh38, 1-based): chr21:46,002,348-46,002,351, GACA deleted; deleting any 4 consecutive bases within chr21:46,002,346-46,002,351 gives the same sequence; the c. name uses the placement nearest the transcript's 3' end. VCF-style (leftmost placement, unchanged base first): chr21-46002345-TCAGA-T. GRCh37 (hg19) VCF-style: chr21-47422259-TCAGA-T.
Other names: c.2197_2200delGACA (NM_001848.2); short protein forms D733fs.
Identifiers: ClinVar variation 1322139 (VCV001322139.7), dbSNP rs1330933906, ClinGen allele CA638497716.
Genomic context (GRCh38, chr21:46,002,345, plus strand): 5'-GACCAGCTGCTGCCGCCCAGCCCGAACAACCGCATCGCCCTGGTCATCACTGACGGGCGC[TCAGA>T]CACTCAGAGGGACACCACACCGCTCAACGTGCTCTGCAGCCCCGGCATCCAGGTGGGGTG-3'

ClinVar aggregate classification (germline): Pathogenic/Likely pathogenic. Review status: criteria provided, multiple submitters, no conflicts (2 of 4 stars). 3 submissions from 3 submitters: Pathogenic (2); Likely pathogenic (1). Last evaluated 2024-04-15.

Conditions:
Bethlem myopathy 1A. Also called: MYOPATHY, BENIGN CONGENITAL, WITH CONTRACTURES; Bethlem Muscular Dystrophy; Bethlem myopathy 1. Identifiers: Orphanet 610, MedGen CN029274, MONDO:0024530, OMIM 158810.
COL6A1-related disorder. Also called: COL6A1-related condition.

Submissions (3):

Labcorp Genetics (formerly Invitae), Labcorp
Classification: Pathogenic for Bethlem myopathy 1A. Last evaluated: 2024-04-15. Review status: criteria provided, single submitter. Criteria: Invitae Variant Classification Sherloc (09022015). Collection method: clinical testing. Allele origin: germline.
Comment: This sequence change creates a premature translational stop signal (p.Asp733Leufs*69) in the COL6A1 gene. It is expected to result in an absent or disrupted protein product. Loss-of-function variants in COL6A1 are known to be pathogenic (PMID: 19884007, 20976770). This variant is present in population databases (no rsID available, gnomAD 0.001%). This variant has not been reported in the literature in individuals affected with COL6A1-related conditions. ClinVar contains an entry for this variant (Variation ID: 1322139). For these reasons, this variant has been classified as Pathogenic.

PreventionGenetics, part of Exact Sciences
Classification: Likely pathogenic for COL6A1-related condition. Last evaluated: 2023-08-24. Review status: criteria provided, single submitter. Criteria: ACMG Guidelines, 2015. Collection method: clinical testing. Allele origin: germline.
Comment: The COL6A1 c.2197_2200delGACA variant is predicted to result in a frameshift and premature protein termination (p.Asp733Leufs*69). To our knowledge, this variant has not been reported in the literature. This variant is reported in 0.0011% of alleles in individuals of European (Non-Finnish) descent in gnomAD. Frameshift variants in COL6A1 are expected to be pathogenic. This variant is interpreted as likely pathogenic.

Revvity Omics, Revvity
Classification: Pathogenic. Last evaluated: 2022-08-22. Review status: criteria provided, single submitter. Criteria: ACMG Guidelines, 2015. Collection method: clinical testing. Allele origin: germline.

Literature cited by the submitters: PubMed 19884007 (cited by Labcorp Genetics (formerly Invitae), Labcorp); PubMed 20976770 (cited by Labcorp Genetics (formerly Invitae), Labcorp).